The following is an entry in ClinVar:

NM_000264.5(PTCH1):c.3138C>A (p.Phe1046Leu)

Gene: PTCH1 (patched 1; minus strand). Cytogenetic location: 9q22.32.
Variant type: single nucleotide variant.
Coding change: c.3138C>A on transcript NM_000264.5 (MANE Select); coding-DNA position 3138, C replaced by A.
Protein change: p.Phe1046Leu; replaces phenylalanine 1046 with leucine.
Molecular consequence: missense variant. On other transcripts: non-coding transcript variant (1).
Genome position (GRCh38, 1-based): chr9:95,458,043, G>T on the plus strand (C>A on the coding strand, the complement: PTCH1 is on the minus strand). VCF-style: chr9-95458043-G-T. GRCh37 (hg19) VCF-style: chr9-98220325-G-T.
Other names: c.2940C>A, p.Phe980Leu (NM_001083602.3); c.3135C>A, p.Phe1045Leu (NM_001083603.3); c.2685C>A, p.Phe895Leu (NM_001083604.3, NM_001083605.3, NM_001083606.3 and 1 more transcripts); c.2982C>A, p.Phe994Leu (NM_001354918.2); short protein forms F1045L, F1046L, F895L, F980L, F994L.
Identifiers: ClinVar variation 1719956 (VCV001719956.6), dbSNP rs2136659972, ClinGen allele CA374112309.

ClinVar aggregate classification (germline): Uncertain significance (1 of 4 stars; one submission).

Conditions:
Gorlin syndrome. Also called: Nevoid Basal Cell Carcinoma Syndrome; Basal cell nevus syndrome. Identifiers: Orphanet 377, MedGen C0004779, MONDO:0007187.

Submission:

Labcorp Genetics (formerly Invitae), Labcorp
Classification: Uncertain significance for Gorlin syndrome. Last evaluated: 2024-09-12. Review status: criteria provided, single submitter. Criteria: Invitae Variant Classification Sherloc (09022015). Collection method: clinical testing. Allele origin: germline.
Comment: This sequence change replaces phenylalanine, which is neutral and non-polar, with leucine, which is neutral and non-polar, at codon 1046 of the PTCH1 protein (p.Phe1046Leu). This variant is not present in population databases (gnomAD no frequency). This variant has not been reported in the literature in individuals affected with PTCH1-related conditions. ClinVar contains an entry for this variant (Variation ID: 1719956). Invitae Evidence Modeling of protein sequence and biophysical properties (such as structural, functional, and spatial information, amino acid conservation, physicochemical variation, residue mobility, and thermodynamic stability) indicates that this missense variant is not expected to disrupt PTCH1 protein function with a negative predictive value of 95%. In summary, the available evidence is currently insufficient to determine the role of this variant in disease. Therefore, it has been classified as a Variant of Uncertain Significance.